The following is an entry in ClinVar:

NM_000465.4(BARD1):c.1591G>A (p.Val531Ile)

Gene: BARD1 (BRCA1 associated RING domain 1; minus strand). Cytogenetic location: 2q35.
Variant type: single nucleotide variant.
Coding change: c.1591G>A on transcript NM_000465.4 (MANE Select); coding-DNA position 1591, G replaced by A.
Protein change: p.Val531Ile; replaces valine 531 with isoleucine.
Molecular consequence: missense variant. On other transcripts: non-coding transcript variant (3), intron variant (1).
Genome position (GRCh38, 1-based): chr2:214,752,533, C>T on the plus strand (G>A on the coding strand, the complement: BARD1 is on the minus strand). VCF-style: chr2-214752533-C-T. GRCh37 (hg19) VCF-style: chr2-215617257-C-T.
Other names: c.1534G>A, p.Val512Ile (NM_001282543.2); c.238G>A, p.Val80Ile (NM_001282545.2); c.181G>A, p.Val61Ile (NM_001282548.2); c.365-22025G>A (NM_001282549.2); short protein forms V531I, V512I, V61I, V80I.
Identifiers: ClinVar variation 4621601 (VCV004621601.1).

ClinVar aggregate classification (germline): Uncertain significance (1 of 4 stars; one submission).

Conditions:
Hereditary cancer-predisposing syndrome. Also called: Neoplastic Syndromes, Hereditary; Tumor predisposition; Hereditary Cancer Syndrome; Hereditary neoplastic syndrome. Identifiers: Orphanet 140162, MedGen C0027672, MeSH D009386, MONDO:0015356.

Submission:

Ambry Genetics
Classification: Uncertain significance for Hereditary cancer-predisposing syndrome. Last evaluated: 2025-10-06. Review status: criteria provided, single submitter. Criteria: Ambry Variant Classification Scheme 2023. Collection method: clinical testing. Allele origin: germline.
Comment: The p.V531I variant (also known as c.1591G>A), located in coding exon 7 of the BARD1 gene, results from a G to A substitution at nucleotide position 1591. The valine at codon 531 is replaced by isoleucine, an amino acid with highly similar properties. This amino acid position is conserved. In addition, the in silico prediction for this alteration is inconclusive. Based on the available evidence, the clinical significance of this variant remains unclear.